The following is an entry in ClinVar:

NM_003482.4(KMT2D):c.12963_12974del (p.Gln4322_Ser4325del)

Gene: KMT2D (lysine methyltransferase 2D; minus strand). Cytogenetic location: 12q13.12.
Variant type: Deletion.
Coding change: c.12963_12974del on transcript NM_003482.4 (MANE Select); coding-DNA positions 12963 to 12974, 12 bases deleted (ACAATTACCTTC).
Protein change: p.Gln4322_Ser4325del.
Molecular consequence: inframe deletion.
Genome position (GRCh38, 1-based): chr12:49,031,731-49,031,742, GAAGGTAATTGT deleted on the plus strand (ACAATTACCTTC on the coding strand, the reverse complement: KMT2D is on the minus strand); deleting any 12 consecutive bases within chr12:49,031,731-49,031,748 gives the same sequence; the c. name uses the placement nearest the transcript's 3' end. VCF-style (leftmost placement, unchanged base first): chr12-49031730-GGAAGGTAATTGT-G. GRCh37 (hg19) VCF-style: chr12-49425513-GGAAGGTAATTGT-G.
Identifiers: ClinVar variation 1444898 (VCV001444898.6), dbSNP rs2120423479, ClinGen allele CA2573148695.

ClinVar aggregate classification (germline): Uncertain significance (1 of 4 stars; one submission).

Conditions:
Kabuki syndrome. Also called: NIIKAWA-KUROKI SYNDROME; Kabuki make-up syndrome. Identifiers: Orphanet 2322, MedGen C0796004, MONDO:0016512.

Submission:

Labcorp Genetics (formerly Invitae), Labcorp
Classification: Uncertain significance for Kabuki syndrome. Last evaluated: 2021-11-11. Review status: criteria provided, single submitter. Criteria: Invitae Variant Classification Sherloc (09022015). Collection method: clinical testing. Allele origin: germline.
Comment: In summary, the available evidence is currently insufficient to determine the role of this variant in disease. Therefore, it has been classified as a Variant of Uncertain Significance. Experimental studies and prediction algorithms are not available or were not evaluated, and the functional significance of this variant is currently unknown. This variant has not been reported in the literature in individuals affected with KMT2D-related conditions. This variant is not present in population databases (gnomAD no frequency). This variant, c.12963_12974del, results in the deletion of 4 amino acid(s) of the KMT2D protein (p.Gln4322_Ser4325del), but otherwise preserves the integrity of the reading frame.